The following is an entry in ClinVar:

ClinVar aggregate classification (germline): Uncertain significance. Review status: criteria provided, multiple submitters, no conflicts (2 of 4 stars). 2 submissions from 2 submitters: Uncertain significance (2). Last evaluated 2021-12-09.

Allele frequency attached by ClinVar (database versions not stated): gnomAD exomes 0.00002 and 0.00006; ExAC 0.00004; TOPMed 0.00008; gnomAD 0.00009.
gnomAD v4.1: 46 of 1,613,966 alleles (0.0029%); highest among the groups gnomAD compares: Admixed American, 0.035%; no homozygotes.

Submissions (2):

Blueprint Genetics
Classification: Uncertain significance. Last evaluated: 2021-12-09. Review status: criteria provided, single submitter. Criteria: ACMG Guidelines, 2015. Collection method: clinical testing. Allele origin: germline.

Labcorp Genetics (formerly Invitae), Labcorp
Classification: Uncertain significance. Last evaluated: 2021-12-02. Review status: criteria provided, single submitter. Criteria: Invitae Variant Classification Sherloc (09022015). Collection method: clinical testing. Allele origin: germline.
Comment: In summary, the available evidence is currently insufficient to determine the role of this variant in disease. Therefore, it has been classified as a Variant of Uncertain Significance. Algorithms developed to predict the effect of missense changes on protein structure and function are either unavailable or do not agree on the potential impact of this missense change (SIFT: "Deleterious"; PolyPhen-2: "Probably Damaging"; Align-GVGD: "Class C0"). This variant has not been reported in the literature in individuals affected with LAMA1-related conditions. This variant is present in population databases (rs762532829, gnomAD 0.02%). This sequence change replaces arginine, which is basic and polar, with cysteine, which is neutral and slightly polar, at codon 2428 of the LAMA1 protein (p.Arg2428Cys).

NM_005559.4(LAMA1):c.7282C>T (p.Arg2428Cys)

Gene: LAMA1 (laminin subunit alpha 1; minus strand). Cytogenetic location: 18p11.31.
Variant type: single nucleotide variant.
Coding change: c.7282C>T on transcript NM_005559.4 (MANE Select); coding-DNA position 7282, C replaced by T.
Protein change: p.Arg2428Cys; replaces arginine 2428 with cysteine.
Molecular consequence: missense variant.
Genome position (GRCh38, 1-based): chr18:6,964,717, G>A on the plus strand (C>T on the coding strand, the complement: LAMA1 is on the minus strand). VCF-style: chr18-6964717-G-A. GRCh37 (hg19) VCF-style: chr18-6964716-G-A.
Other names: short protein forms R2428C.
Identifiers: ClinVar variation 1422048 (VCV001422048.7), dbSNP rs762532829, ClinGen allele CA8880950.